The following is an entry in ClinVar:

NM_017934.7(PHIP):c.2668C>G (p.Gln890Glu)

Gene: PHIP (PHIP subunit of CUL4-Ring ligase complex; minus strand). Cytogenetic location: 6q14.1.
Variant type: single nucleotide variant.
Coding change: c.2668C>G on transcript NM_017934.7 (MANE Select); coding-DNA position 2668, C replaced by G.
Protein change: p.Gln890Glu; replaces glutamine 890 with glutamic acid.
Molecular consequence: missense variant.
Genome position (GRCh38, 1-based): chr6:78,982,987, G>C on the plus strand (C>G on the coding strand, the complement: PHIP is on the minus strand). VCF-style: chr6-78982987-G-C. GRCh37 (hg19) VCF-style: chr6-79692704-G-C.
Other names: short protein forms Q890E.
Identifiers: ClinVar variation 3341009 (VCV003341009.2).

ClinVar aggregate classification (germline): Uncertain significance (1 of 4 stars; one submission).

gnomAD v4.1: 4 of 1,607,520 alleles (0.00025%); highest among the groups gnomAD compares: African/African-American, 0.0054%; no homozygotes.

Submission:

GeneDx
Classification: Uncertain significance. Last evaluated: 2025-12-02. Review status: criteria provided, single submitter. Criteria: GeneDx Variant Classification Process June 2021. Collection method: clinical testing. Allele origin: germline.
Comment: Not observed at significant frequency in large population cohorts (gnomAD); In silico analysis suggests that this missense variant does not alter protein structure/function; Has not been previously published as pathogenic or benign to our knowledge